The following is an entry in ClinVar:

NM_006231.4(POLE):c.1360-12T>C

Gene: POLE (DNA polymerase epsilon, catalytic subunit; minus strand). Cytogenetic location: 12q24.33.
Variant type: single nucleotide variant.
Coding change: c.1360-12T>C on transcript NM_006231.4 (MANE Select); 12 bases into the intron before coding-DNA position 1360, T replaced by C.
Molecular consequence: intron variant.
Genome position (GRCh38, 1-based): chr12:132,673,289, A>G on the plus strand (T>C on the coding strand, the complement: POLE is on the minus strand). VCF-style: chr12-132673289-A-G. GRCh37 (hg19) VCF-style: chr12-133249875-A-G.
Identifiers: ClinVar variation 1570312 (VCV001570312.9), dbSNP rs1410225605, ClinGen allele CA608514508.

ClinVar aggregate classification (germline): Likely benign. Review status: criteria provided, multiple submitters, no conflicts (2 of 4 stars). 2 submissions from 2 submitters: Likely benign (2). Last evaluated 2026-01-13.

Conditions:
Colorectal cancer, susceptibility to, 12 (CRCS12). Also called: COLORECTAL CANCER, SUSCEPTIBILITY TO, ON CHROMOSOME 12q24. Identifiers: Orphanet 220460, MedGen C3554460, MONDO:0014038, OMIM 615083.

Allele frequency attached by ClinVar (database versions not stated): TOPMed below 0.00001; gnomAD 0.00001.
gnomAD v4.1: 2 of 1,548,150 alleles (0.00013%); highest among the groups gnomAD compares: African/African-American, 0.0027%; no homozygotes.

Submissions (2):

Labcorp Genetics (formerly Invitae), Labcorp
Classification: Likely benign. Last evaluated: 2026-01-13. Review status: criteria provided, single submitter. Criteria: Invitae Variant Classification Sherloc (09022015). Collection method: clinical testing. Allele origin: germline.

Myriad Genetics, Inc.
Classification: Likely benign for Colorectal cancer, susceptibility to, 12. Last evaluated: 2025-02-11. Review status: criteria provided, single submitter. Criteria: Myriad Autosomal Dominant, Autosomal Recessive and X-Linked Classification Criteria (2023). Collection method: clinical testing. Allele origin: unknown.
Comment: This variant is considered likely benign. This variant is intronic and is not expected to impact mRNA splicing.